The following is an entry in ClinVar:

NM_015935.5(METTL13):c.372G>C (p.Leu124=)

Gene: METTL13 (methyltransferase 13, eEF1A N-terminus and K55; plus strand). Cytogenetic location: 1q24.3.
Variant type: single nucleotide variant.
Coding change: c.372G>C on transcript NM_015935.5 (MANE Select); coding-DNA position 372, G replaced by C.
Protein change: p.Leu124=; no amino-acid change (leucine 124 retained).
Molecular consequence: synonymous variant.
Genome position (GRCh38, 1-based): chr1:171,783,958, G>C. VCF-style: chr1-171783958-G-C. GRCh37 (hg19) VCF-style: chr1-171753098-G-C.
Other names: c.372G>C, p.Leu124= (NM_001007239.2); c.114G>C, p.Leu38= (NM_014955.3).
Identifiers: ClinVar variation 3035848 (VCV003035848.2), dbSNP rs765001555, ClinGen allele CA1244604.

ClinVar aggregate classification (germline): Likely benign (0 of 4 stars; one submission).

Conditions:
METTL13-related disorder. Also called: METTL13-related condition.

Allele frequency attached by ClinVar (database versions not stated): TOPMed below 0.00001; gnomAD exomes 0.00001; gnomAD 0.00002; ExAC 0.00004.
gnomAD v4.1: 22 of 1,614,242 alleles (0.0014%); highest among the groups gnomAD compares: East Asian, 0.042%; no homozygotes.

Submission:

PreventionGenetics, part of Exact Sciences
Classification: Likely benign for METTL13-related condition. Last evaluated: 2019-07-30. Review status: no assertion criteria provided. Collection method: clinical testing. Allele origin: germline.
Comment: This variant is classified as likely benign based on ACMG/AMP sequence variant interpretation guidelines (Richards et al. 2015 PMID: 25741868, with internal and published modifications).